The following is an entry in ClinVar:

ClinVar aggregate classification (germline): Uncertain significance (1 of 4 stars; one submission).

Submission:

Labcorp Genetics (formerly Invitae), Labcorp
Classification: Uncertain significance. Last evaluated: 2022-10-13. Review status: criteria provided, single submitter. Criteria: Invitae Variant Classification Sherloc (09022015). Collection method: clinical testing. Allele origin: germline.
Comment: In summary, the available evidence is currently insufficient to determine the role of this variant in disease. Therefore, it has been classified as a Variant of Uncertain Significance. Advanced modeling of protein sequence and biophysical properties (such as structural, functional, and spatial information, amino acid conservation, physicochemical variation, residue mobility, and thermodynamic stability) performed at Invitae indicates that this missense variant is not expected to disrupt PLXNA2 protein function. This variant has not been reported in the literature in individuals affected with PLXNA2-related conditions. This variant is not present in population databases (gnomAD no frequency). This sequence change replaces valine, which is neutral and non-polar, with isoleucine, which is neutral and non-polar, at codon 621 of the PLXNA2 protein (p.Val621Ile).

NM_025179.4(PLXNA2):c.1861G>A (p.Val621Ile)

Gene: PLXNA2 (plexin A2; minus strand). Cytogenetic location: 1q32.2.
Variant type: single nucleotide variant.
Coding change: c.1861G>A on transcript NM_025179.4 (MANE Select); coding-DNA position 1861, G replaced by A.
Protein change: p.Val621Ile; replaces valine 621 with isoleucine.
Molecular consequence: missense variant.
Genome position (GRCh38, 1-based): chr1:208,096,754, C>T on the plus strand (G>A on the coding strand, the complement: PLXNA2 is on the minus strand). VCF-style: chr1-208096754-C-T. GRCh37 (hg19) VCF-style: chr1-208270099-C-T.
Other names: short protein forms V621I.
Identifiers: ClinVar variation 2110990 (VCV002110990.4), dbSNP rs1223419032, ClinGen allele CA344556170.